The following is an entry in ClinVar:

NM_003924.4(PHOX2B):c.400A>C (p.Lys134Gln)

Gene: PHOX2B (paired like homeobox 2B; minus strand). Cytogenetic location: 4p13.
Variant type: single nucleotide variant.
Coding change: c.400A>C on transcript NM_003924.4 (MANE Select); coding-DNA position 400, A replaced by C.
Protein change: p.Lys134Gln; replaces lysine 134 with glutamine.
Molecular consequence: missense variant.
Genome position (GRCh38, 1-based): chr4:41,747,378, T>G on the plus strand (A>C on the coding strand, the complement: PHOX2B is on the minus strand). VCF-style: chr4-41747378-T-G. GRCh37 (hg19) VCF-style: chr4-41749395-T-G.
Other names: short protein forms K134Q.
Identifiers: ClinVar variation 2563111 (VCV002563111.2), dbSNP rs2552097013, ClinGen allele CA356739882.

ClinVar aggregate classification (germline): Uncertain significance (1 of 4 stars; one submission).

Conditions:
Hereditary cancer-predisposing syndrome. Also called: Neoplastic Syndromes, Hereditary; Hereditary Cancer Syndrome; Hereditary neoplastic syndrome; Tumor predisposition. Identifiers: Orphanet 140162, MedGen C0027672, MeSH D009386, MONDO:0015356.

Submission:

Ambry Genetics
Classification: Uncertain significance for Hereditary cancer-predisposing syndrome. Last evaluated: 2023-05-26. Review status: criteria provided, single submitter. Criteria: Ambry Variant Classification Scheme 2023. Collection method: clinical testing. Allele origin: germline.
Comment: The p.K134Q variant (also known as c.400A>C), located in coding exon 2 of the PHOX2B gene, results from an A to C substitution at nucleotide position 400. The lysine at codon 134 is replaced by glutamine, an amino acid with similar properties. This amino acid position is conserved. In addition, the in silico prediction for this alteration is inconclusive. Since supporting evidence is limited at this time, the clinical significance of this alteration remains unclear.